The following is an entry in ClinVar:

NM_024642.5(GALNT12):c.636G>A (p.Arg212=)

Gene: GALNT12 (polypeptide N-acetylgalactosaminyltransferase 12; plus strand). Cytogenetic location: 9q22.33.
Variant type: single nucleotide variant.
Coding change: c.636G>A on transcript NM_024642.5 (MANE Select); coding-DNA position 636, G replaced by A.
Protein change: p.Arg212=; no amino-acid change (arginine 212 retained).
Molecular consequence: synonymous variant.
Genome position (GRCh38, 1-based): chr9:98,826,846, G>A. VCF-style: chr9-98826846-G-A. GRCh37 (hg19) VCF-style: chr9-101589128-G-A.
Identifiers: ClinVar variation 4875720 (VCV004875720.1).

ClinVar aggregate classification (germline): Benign (1 of 4 stars; one submission).

Conditions:
Colorectal cancer, susceptibility to, 1. Also called: COLORECTAL ADENOMA AND CANCER, SUSCEPTIBILITY TO; COLORECTAL CANCER, SUSCEPTIBILITY TO, ON CHROMOSOME 9. Identifiers: MedGen C1837315, MONDO:0012132, OMIM 608812.

gnomAD v4.1: 1 of 1,609,082 alleles (0.000062%); highest among the groups gnomAD compares: Non-Finnish European, 0.000085%; no homozygotes.

Submission:

Myriad Genetics, Inc.
Classification: Benign for Colorectal cancer, susceptibility to, 1. Last evaluated: 2026-04-24. Review status: criteria provided, single submitter. Criteria: Myriad Autosomal Dominant, Autosomal Recessive and X-Linked Classification Criteria (2023). Collection method: clinical testing. Allele origin: unknown.
Comment: This variant is considered benign. This variant is a silent/synonymous amino acid change and it is not expected to impact splicing.